The following is an entry in ClinVar:

NM_003098.3(SNTA1):c.128G>A (p.Ser43Asn)

Genes: SNTA1 (syntrophin alpha 1; minus strand), LOC130065680 (ATAC-STARR-seq lymphoblastoid silent region 12812; plus strand). Cytogenetic location: 20q11.21.
Variant type: single nucleotide variant.
Coding change: c.128G>A on transcript NM_003098.3 (MANE Select); coding-DNA position 128, G replaced by A.
Protein change: p.Ser43Asn; replaces serine 43 with asparagine.
Molecular consequence: missense variant.
Genome position (GRCh38, 1-based): chr20:33,443,493, C>T on the plus strand (G>A on the coding strand, the complement: SNTA1 is on the minus strand). VCF-style: chr20-33443493-C-T. GRCh37 (hg19) VCF-style: chr20-32031299-C-T.
Other names: p.S43N:AGC>AAC; short protein forms S43N.
Identifiers: ClinVar variation 190903 (VCV000190903.23), dbSNP rs786205841, ClinGen allele CA302240.
Genomic context (GRCh38, chr20:33,443,493, plus strand): 5'-TGCGCGGGCTCCTGCTCCCGCGGAGCGCCGGGCTCGGGACCAGGGTCGCCGTCGGCGGGG[C>T]TCACGGTCAGCACGTCCTCCGCCAGACTCAGCAGCACCCGCTGCCATCGCTCGCCGCCGG-3'
Protein context (NP_003089.1, residues 33-53): LSLAEDVLTV[Ser43Asn]PADGDPGPEP

ClinVar aggregate classification (germline): Conflicting classifications of pathogenicity. Review status: criteria provided, conflicting classifications (1 of 4 stars). 5 submissions from 5 submitters: Uncertain significance (4); Likely benign (1). Last evaluated 2025-11-23.

Conditions:
Cardiovascular phenotype. Identifiers: MedGen CN230736.
Long QT syndrome (LQTS). Identifiers: MedGen C0023976, MeSH D008133, MONDO:0002442. Disease mechanism: loss of function. Inheritance: Various modes of inheritance.
Long QT syndrome 12 (LQT12). Identifiers: Orphanet 101016, Orphanet 768, MedGen C2751830, MONDO:0013062, OMIM 612955.

Allele frequency attached by ClinVar (database versions not stated): gnomAD exomes 0.00014 and 0.00049; gnomAD 0.00021 and 0.00022; TOPMed 0.00021; 1000 Genomes Project 30x 0.00031.

Submissions (5):

Labcorp Genetics (formerly Invitae), Labcorp
Classification: Uncertain significance for Long QT syndrome. Last evaluated: 2025-11-23. Review status: criteria provided, single submitter. Criteria: Invitae Variant Classification Sherloc (09022015). Collection method: clinical testing. Allele origin: germline.
Comment: This sequence change replaces serine, which is neutral and polar, with asparagine, which is neutral and polar, at codon 43 of the SNTA1 protein (p.Ser43Asn). This variant is present in population databases (rs786205841, gnomAD 0.03%). This missense change has been observed in individual(s) with arrhythmia (PMID: 30847666). ClinVar contains an entry for this variant (Variation ID: 190903). Invitae Evidence Modeling of protein sequence and biophysical properties (such as structural, functional, and spatial information, amino acid conservation, physicochemical variation, residue mobility, and thermodynamic stability) indicates that this missense variant is not expected to disrupt SNTA1 protein function with a negative predictive value of 80%. In summary, the available evidence is currently insufficient to determine the role of this variant in disease. Therefore, it has been classified as a Variant of Uncertain Significance.

GeneDx
Classification: Uncertain significance. Last evaluated: 2025-05-23. Review status: criteria provided, single submitter. Criteria: GeneDx Variant Classification Process June 2021. Collection method: clinical testing. Allele origin: germline. Affected: yes.
Comment: Identified in a patient with arrhythmia in the published literature; however, this patient also harbored an additional cardiogenetic variant (PMID: 30847666); In silico analysis suggests that this missense variant does not alter protein structure/function; This variant is associated with the following publications: (PMID: 30847666)

Ambry Genetics
Classification: Likely benign for Cardiovascular phenotype. Last evaluated: 2022-11-02. Review status: criteria provided, single submitter. Criteria: Ambry Variant Classification Scheme 2023. Collection method: clinical testing. Allele origin: germline.

Fulgent Genetics
Classification: Uncertain significance for Long QT syndrome 12. Last evaluated: 2022-05-12. Review status: criteria provided, single submitter. Criteria: ACMG Guidelines, 2015. Collection method: clinical testing. Allele origin: unknown.

Illumina Laboratory Services, Illumina
Classification: Uncertain significance for Long QT syndrome 12. Last evaluated: 2018-01-13. Review status: criteria provided, single submitter. Criteria: ICSL Variant Classification Criteria 13 December 2019. Collection method: clinical testing. Allele origin: germline.

Literature cited by the submitters: PubMed 30847666 (cited by Labcorp Genetics (formerly Invitae), Labcorp and Ambry Genetics).